The following is an entry in ClinVar:

ClinVar aggregate classification (germline): Likely benign. Review status: criteria provided, single submitter (1 of 4 stars). 2 submissions from 2 submitters: Likely benign (1). 1 of the submissions does not count toward it. Last evaluated 2023-08-29.

Conditions:
Familial cancer of breast. Also called: BREAST CANCER, FAMILIAL; Hereditary breast cancer; hereditary breast carcinoma. Identifiers: Orphanet 227535, MedGen C0346153, MONDO:0016419, OMIM 114480. Disease mechanism: loss of function.

Submissions (2):

Ophthalmic Genetics Group, Institute of Molecular and Clinical Ophthalmology Basel
Classification: Likely benign for Familial cancer of breast. Last evaluated: 2023-08-29. Review status: criteria provided, single submitter. Criteria: ACMG Guidelines, 2015. Collection method: curation. Allele origin: unknown.
Comment: Clinical significance based on ACMG v2.0

This variant was classified as Likely benign based on ACMG criteria: BS1 and BP7.

Department of Zoology Govt. MVM College
Classification: Likely pathogenic for Familial cancer of breast. Review status: no assertion criteria provided. Collection method: not provided. Allele origin: unknown. Not counted in ClinVar's aggregate classification.
Comment: KM276984
ClinVar note: Converted during submission from probable-pathogenic to Likely pathogenic.

NC_012920.1(MT-CYB):m.15001T>C

Gene: MT-CYB (mitochondrially encoded cytochrome b; plus strand).
Variant type: single nucleotide variant.
Genome position: chrM-15001-T-C.
Identifiers: ClinVar variation 143872 (VCV000143872.4), dbSNP rs527236169, ClinGen allele CA270605.